The following is an entry in ClinVar:

NM_006562.5(LBX1):c.707del (p.Val236fs)

Gene: LBX1 (ladybird homeobox 1; minus strand). Cytogenetic location: 10q24.32.
Variant type: Deletion.
Coding change: c.707del on transcript NM_006562.5 (MANE Select); coding-DNA position 707, one base deleted (T; older notation c.707delT).
Protein change: p.Val236fs; shifts the reading frame from valine 236.
Molecular consequence: frameshift variant.
Genome position (GRCh38, 1-based): chr10:101,227,409, A deleted on the plus strand (T on the coding strand, the reverse complement: LBX1 is on the minus strand). VCF-style (leftmost placement, unchanged base first): chr10-101227408-GA-G. GRCh37 (hg19) VCF-style: chr10-102987165-GA-G.
Other names: short protein forms V236fs.
Identifiers: ClinVar variation 4532288 (VCV004532288.2).

ClinVar aggregate classification (germline): Conflicting classifications of pathogenicity. Review status: criteria provided, conflicting classifications (1 of 4 stars). 2 submissions from 2 submitters: Likely pathogenic (1); Uncertain significance (1). Last evaluated 2025-11-10.

Conditions:
Central hypoventilation syndrome, congenital, 3 (CCHS3). Identifiers: MedGen C5561964, MONDO:0030539, OMIM 619483.

Submissions (2):

Research Unit for Rare Diseases, 1st Faculty of Medicine, Charles University in Prague
Classification: Likely pathogenic for Central hypoventilation syndrome, congenital, 3. Last evaluated: 2025-11-10. Review status: criteria provided, single submitter. Criteria: ACMG Guidelines, 2015. Collection method: research, reference population. Allele origin: germline, inherited. Inheritance: Autosomal recessive inheritance. Affected: yes and no. Observed: 18 variant alleles, 14 heterozygotes, 4 homozygotes.
Comment: The homozygous variant LBX1(NM_006562.5):c.707del p.(Val236AlafsTer59) has was found in two families of Roma origin with the diagnosis of congenital central hypoventilation syndrome. The variant segregated with the disease, has very low population frequency in gnomAD but is enriched in ethnic specific population. Identical variant has already been described by by Hernandez-Miranda et al., 2018.

Blueprint Genetics
Classification: Uncertain significance. Last evaluated: 2023-12-04. Review status: criteria provided, single submitter. Criteria: ACMG Guidelines, 2015. Collection method: clinical testing. Allele origin: germline.

Literature cited by the submitters: PMC PMC6304989 (cited by Research Unit for Rare Diseases, 1st Faculty of Medicine, Charles University in Prague).